The following is an entry in ClinVar:

ClinVar aggregate classification (germline): Uncertain significance (1 of 4 stars; one submission).

Conditions:
Inborn genetic diseases. Identifiers: MedGen C0950123, MeSH D030342.

Submission:

Ambry Genetics
Classification: Uncertain significance for Inborn genetic diseases. Last evaluated: 2025-05-07. Review status: criteria provided, single submitter. Criteria: Ambry Variant Classification Scheme 2023. Collection method: clinical testing. Allele origin: germline.
Comment: The c.2108G>A (p.G703D) alteration is located in exon 17 (coding exon 16) of the MYH10 gene. This alteration results from a G to A substitution at nucleotide position 2108, causing the glycine (G) at amino acid position 703 to be replaced by an aspartic acid (D). This variant was not reported in population-based cohorts in the Genome Aggregation Database (gnomAD). This variant has also been identified in an individual with features consistent with MYH10-related neurodevelopmental disorder (Holtz, 2022). This amino acid position is highly conserved in available vertebrate species. This alteration is predicted to be deleterious by in silico analysis. Based on insufficient or conflicting evidence, the clinical significance of this alteration remains unclear.

Literature cited by the submitters: PubMed 35980381.

NM_001256012.3(MYH10):c.2201G>A (p.Gly734Asp)

Gene: MYH10 (myosin heavy chain 10; minus strand). Cytogenetic location: 17p13.1.
Variant type: single nucleotide variant.
Coding change: c.2201G>A on transcript NM_001256012.3 (MANE Select); coding-DNA position 2201, G replaced by A.
Protein change: p.Gly734Asp; replaces glycine 734 with aspartic acid.
Molecular consequence: missense variant.
Genome position (GRCh38, 1-based): chr17:8,520,950, C>T on the plus strand (G>A on the coding strand, the complement: MYH10 is on the minus strand). VCF-style: chr17-8520950-C-T. GRCh37 (hg19) VCF-style: chr17-8424268-C-T.
Other names: c.2135G>A, p.Gly712Asp (NM_001256095.2); c.2138G>A, p.Gly713Asp (NM_001375266.1); c.2108G>A, p.Gly703Asp (NM_005964.5); short protein forms G713D, G712D, G703D, G734D.
Identifiers: ClinVar variation 3915391 (VCV003915391.1).